The following is an entry in ClinVar:

NM_006946.4(SPTBN2):c.4900G>C (p.Glu1634Gln)

Gene: SPTBN2 (spectrin beta, non-erythrocytic 2; minus strand). Cytogenetic location: 11q13.2.
Variant type: single nucleotide variant.
Coding change: c.4900G>C on transcript NM_006946.4 (MANE Select); coding-DNA position 4900, G replaced by C.
Protein change: p.Glu1634Gln; replaces glutamic acid 1634 with glutamine.
Molecular consequence: missense variant.
Genome position (GRCh38, 1-based): chr11:66,693,055, C>G on the plus strand (G>C on the coding strand, the complement: SPTBN2 is on the minus strand). VCF-style: chr11-66693055-C-G. GRCh37 (hg19) VCF-style: chr11-66460526-C-G.
Other names: short protein forms E1634Q.
Identifiers: ClinVar variation 1350284 (VCV001350284.6), dbSNP rs1053842135, ClinGen allele CA224079367.

ClinVar aggregate classification (germline): Uncertain significance (1 of 4 stars; one submission).

Allele frequency attached by ClinVar (database versions not stated): gnomAD 0.00001; TOPMed 0.00001.

Submission:

Labcorp Genetics (formerly Invitae), Labcorp
Classification: Uncertain significance. Last evaluated: 2022-11-15. Review status: criteria provided, single submitter. Criteria: Invitae Variant Classification Sherloc (09022015). Collection method: clinical testing. Allele origin: germline.
Comment: In summary, the available evidence is currently insufficient to determine the role of this variant in disease. Therefore, it has been classified as a Variant of Uncertain Significance. Advanced modeling of protein sequence and biophysical properties (such as structural, functional, and spatial information, amino acid conservation, physicochemical variation, residue mobility, and thermodynamic stability) performed at Invitae indicates that this missense variant is not expected to disrupt SPTBN2 protein function. ClinVar contains an entry for this variant (Variation ID: 1350284). This variant has not been reported in the literature in individuals affected with SPTBN2-related conditions. This variant is not present in population databases (gnomAD no frequency). This sequence change replaces glutamic acid, which is acidic and polar, with glutamine, which is neutral and polar, at codon 1634 of the SPTBN2 protein (p.Glu1634Gln).